The following is an entry in ClinVar:

ClinVar aggregate classification (germline): Likely benign. Review status: criteria provided, multiple submitters, no conflicts (2 of 4 stars). 2 submissions from 2 submitters: Likely benign (2). Last evaluated 2025-09-03.

Conditions:
Spastic ataxia 2. Also called: Ataxia, spastic, 2, autosomal recessive. Identifiers: Orphanet 397946, MedGen C1969796, MONDO:0012651, OMIM 611302.

Allele frequency attached by ClinVar (database versions not stated): TOPMed 0.00002; ESP Exome Variant Server 0.00008.

Submissions (2):

Labcorp Genetics (formerly Invitae), Labcorp
Classification: Likely benign for Spastic ataxia 2. Last evaluated: 2025-09-03. Review status: criteria provided, single submitter. Criteria: Invitae Variant Classification Sherloc (09022015). Collection method: clinical testing. Allele origin: germline.

GeneDx
Classification: Likely benign. Last evaluated: 2017-12-14. Review status: criteria provided, single submitter. Criteria: GeneDx Variant Classification (06012015). Collection method: clinical testing. Allele origin: germline. Affected: yes.
Comment: This variant is considered likely benign or benign based on one or more of the following criteria: it is a conservative change, it occurs at a poorly conserved position in the protein, it is predicted to be benign by multiple in silico algorithms, and/or has population frequency not consistent with disease.

NM_006612.6(KIF1C):c.799-19A>G

Genes: KIF1C (kinesin family member 1C; plus strand), LOC126862472 (CDK7 strongly-dependent group 2 enhancer GRCh37_chr17:4906716-4907915; plus strand). Cytogenetic location: 17p13.2.
Variant type: single nucleotide variant.
Coding change: c.799-19A>G on transcript NM_006612.6 (MANE Select); 19 bases into the intron before coding-DNA position 799, A replaced by G.
Molecular consequence: intron variant.
Genome position (GRCh38, 1-based): chr17:5,003,832, A>G. VCF-style: chr17-5003832-A-G. GRCh37 (hg19) VCF-style: chr17-4907127-A-G.
Identifiers: ClinVar variation 514053 (VCV000514053.6), dbSNP rs370317680, ClinGen allele CA8318747.